The following is an entry in ClinVar:

ClinVar aggregate classification (germline): Uncertain significance (1 of 4 stars; one submission).

Conditions:
Early-infantile DEE. Also called: Early infantile epileptic encephalopathy; Ohtahara syndrome; Early infantile epileptic encephalopathy with suppression bursts. Identifiers: Orphanet 1934, MedGen C0393706, MONDO:0800491.

Allele frequency attached by ClinVar (database versions not stated): gnomAD exomes below 0.00001.
gnomAD v4.1: 3 of 1,614,104 alleles (0.00019%); highest among the groups gnomAD compares: Non-Finnish European, 0.00025%; no homozygotes.

Submission:

Labcorp Genetics (formerly Invitae), Labcorp
Classification: Uncertain significance for Early-infantile DEE. Last evaluated: 2022-08-09. Review status: criteria provided, single submitter. Criteria: Invitae Variant Classification Sherloc (09022015). Collection method: clinical testing. Allele origin: germline.
Comment: In summary, the available evidence is currently insufficient to determine the role of this variant in disease. Therefore, it has been classified as a Variant of Uncertain Significance. Algorithms developed to predict the effect of missense changes on protein structure and function output the following: SIFT: "Tolerated"; PolyPhen-2: "Benign"; Align-GVGD: "Class C0". The arginine amino acid residue is found in multiple mammalian species, which suggests that this missense change does not adversely affect protein function. ClinVar contains an entry for this variant (Variation ID: 1499799). This variant has not been reported in the literature in individuals affected with SPTAN1-related conditions. This variant is not present in population databases (gnomAD no frequency). This sequence change replaces histidine, which is basic and polar, with arginine, which is basic and polar, at codon 1408 of the SPTAN1 protein (p.His1408Arg).

NM_001130438.3(SPTAN1):c.4223A>G (p.His1408Arg)

Gene: SPTAN1 (spectrin alpha, non-erythrocytic 1; plus strand). Cytogenetic location: 9q34.11.
Variant type: single nucleotide variant.
Coding change: c.4223A>G on transcript NM_001130438.3 (MANE Select); coding-DNA position 4223, A replaced by G.
Protein change: p.His1408Arg; replaces histidine 1408 with arginine.
Molecular consequence: missense variant.
Genome position (GRCh38, 1-based): chr9:128,607,928, A>G. VCF-style: chr9-128607928-A-G. GRCh37 (hg19) VCF-style: chr9-131370207-A-G.
Other names: c.4163A>G, p.His1388Arg (NM_001195532.2, NM_001363765.2, NM_001375314.2); c.4223A>G, p.His1408Arg (NM_001363759.2, NM_001375310.1, NM_001375311.2 and 2 more transcripts); c.4259A>G, p.His1420Arg (NM_001375312.2, NM_001375318.1); short protein forms H1388R, H1420R, H1408R.
Identifiers: ClinVar variation 1499799 (VCV001499799.9), dbSNP rs2131616851, ClinGen allele CA375066503.
Genomic context (GRCh38, chr9:128,607,928, plus strand): 5'-TCGATGCCAGGGCTGGCACTTTCCAGGCATTTGAGCAGTTTGGACAGCAGCTGTTGGCTC[A>G]CGGACACTATGCCAGCCCTGAGATCAAGCAGAAACTTGATATTCTTGACCAGGAGCGTGC-3'
Protein context (NP_001123910.1, residues 1398-1418): FEQFGQQLLA[His1408Arg]GHYASPEIKQ